The following is an entry in ClinVar:

ClinVar aggregate classification (germline): Uncertain significance (1 of 4 stars; one submission).

Submission:

Women's Health and Genetics/Laboratory Corporation of America, LabCorp
Classification: Uncertain significance. Last evaluated: 2024-12-26. Review status: criteria provided, single submitter. Criteria: LabCorp Variant Classification Summary - May 2015. Collection method: clinical testing. Allele origin: germline.
Comment: Variant summary: TPO c.805T>A (p.Cys269Ser) results in a non-conservative amino acid change in the encoded protein sequence. Five of five in-silico tools predict a damaging effect of the variant on protein function. The variant was absent in 251212 control chromosomes (gnomAD). c.805T>A has been reported in the literature in an individual affected with congenital hypothyroidism (Zhang_2020). These data do not allow any conclusion about variant significance. At least one publication reports experimental evidence evaluating an impact on protein function. The most pronounced variant effect results in 10%-<30% of normal enzymatic activity (Zhang_2024). The following publications have been ascertained in the context of this evaluation (PMID: 32088313, 38321032). No submitters have cited clinical-significance assessments for this variant to ClinVar. Based on the evidence outlined above, the variant was classified as VUS-possibly pathogenic.

Literature cited by the submitters: PubMed 32088313; PubMed 38321032.

NM_001206744.2(TPO):c.805T>A (p.Cys269Ser)

Gene: TPO (thyroid peroxidase; plus strand). Cytogenetic location: 2p25.3.
Variant type: single nucleotide variant.
Coding change: c.805T>A on transcript NM_001206744.2 (MANE Select); coding-DNA position 805, T replaced by A.
Protein change: p.Cys269Ser; replaces cysteine 269 with serine.
Molecular consequence: missense variant.
Genome position (GRCh38, 1-based): chr2:1,456,268, T>A. VCF-style: chr2-1456268-T-A. GRCh37 (hg19) VCF-style: chr2-1460040-T-A.
Other names: c.805T>A, p.Cys269Ser (NM_000547.6, NM_001206745.2, NM_175719.4 and 2 more transcripts); short protein forms C269S.
Identifiers: ClinVar variation 3768328 (VCV003768328.1).